The following is an entry in ClinVar:

NM_000116.5(TAFAZZIN):c.542-20C>T

Gene: TAFAZZIN (tafazzin, phospholipid-lysophospholipid transacylase; plus strand). Cytogenetic location: Xq28.
Variant type: single nucleotide variant.
Coding change: c.542-20C>T on transcript NM_000116.5 (MANE Select); 20 bases into the intron before coding-DNA position 542, C replaced by T.
Molecular consequence: intron variant.
Genome position (GRCh38, 1-based): chrX:154,419,685, C>T. VCF-style: chrX-154419685-C-T. GRCh37 (hg19) VCF-style: chrX-153648024-C-T.
Other names: c.595+62C>T (NM_001303465.2); c.541+62C>T (NM_181312.4); c.452-20C>T (NM_181311.4); c.451+62C>T (NM_181313.4).
Identifiers: ClinVar variation 139388 (VCV000139388.17), dbSNP rs373841640, ClinGen allele CA293855.
Genomic context (GRCh38, chrX:154,419,685, plus strand): 5'-TCAGCAGGGCTGACTGGGTCGAGCCCCCCCAGTATGAGCGGGATGGGCTCCCAAGCCTCG[C>T]CTCTGTGCTCTCTCACCAGGGAAAGTGAACATGAGTTCCGAATTCCTGCGTTTCAAGTGG-3'

ClinVar aggregate classification (germline): Benign/Likely benign. Review status: criteria provided, multiple submitters, no conflicts (2 of 4 stars). 10 submissions from 9 submitters: Benign (3); Likely benign (1). 6 of the submissions do not count toward it. Last evaluated 2026-02-12.

Conditions:
3-Methylglutaconic aciduria type 2 (BTHS). Also called: Barth syndrome; CARDIOSKELETAL MYOPATHY WITH NEUTROPENIA AND ABNORMAL MITOCHONDRIA. Identifiers: Orphanet 111, MedGen C0574083, MONDO:0010543, OMIM 302060.

Allele frequency attached by ClinVar (database versions not stated): ESP Exome Variant Server 0.00028; TOPMed 0.00034; gnomAD 0.00038 and 0.00041; gnomAD exomes 0.00040 and 0.00065; ExAC 0.00043.
gnomAD v4.1: 742 of 1,211,147 alleles (0.061%); highest among the groups gnomAD compares: Non-Finnish European, 0.08%; no homozygotes.

Submissions (10):

Women's Health and Genetics/Laboratory Corporation of America, LabCorp
Classification: Benign. Last evaluated: 2026-02-12. Review status: criteria provided, single submitter. Criteria: LabCorp Variant Classification Summary - May 2015. Collection method: clinical testing. Allele origin: germline.
Comment: Variant summary: TAFAZZIN c.542-20C>T alters a nucleotide located at a position not widely known to affect splicing. Consensus agreement among computation tools predict no significant impact on normal splicing. However, these predictions have yet to be confirmed by functional studies. The variant allele was found at a frequency of 0.0004 in 183462 control chromosomes, including 26 hemizygotes. This frequency is not significantly higher than estimated for disease-causing variants in TAFAZZIN, allowing no conclusion about variant significance. To our knowledge, no occurrence of c.542-20C>T in individuals affected with TAFAZZIN-related conditions and no experimental evidence demonstrating its impact on protein function have been reported. ClinVar contains an entry for this variant (Variation ID: 139388). Based on the evidence outlined above, the variant was classified as benign.

Labcorp Genetics (formerly Invitae), Labcorp
Classification: Benign for 3-Methylglutaconic aciduria type 2. Last evaluated: 2026-01-26. Review status: criteria provided, single submitter. Criteria: Invitae Variant Classification Sherloc (09022015). Collection method: clinical testing. Allele origin: germline.

Blueprint Genetics
Classification: Likely benign. Last evaluated: 2024-10-02. Review status: criteria provided, single submitter. Criteria: ACMG Guidelines, 2015. Collection method: clinical testing. Allele origin: germline.

GeneDx
Classification: Benign. Last evaluated: 2013-04-26. Review status: criteria provided, single submitter. Criteria: GeneDx Variant Classification (06012015). Collection method: clinical testing. Allele origin: germline. Affected: yes.
Comment: This variant is considered likely benign or benign based on one or more of the following criteria: it is a conservative change, it occurs at a poorly conserved position in the protein, it is predicted to be benign by multiple in silico algorithms, and/or has population frequency not consistent with disease.

Clinical Genetics DNA and cytogenetics Diagnostics Lab, Erasmus MC, Erasmus Medical Center
Classification: Likely benign. Review status: no assertion criteria provided. Collection method: clinical testing. Allele origin: germline. Affected: yes. Study: VKGL Data-share Consensus. Not counted in ClinVar's aggregate classification.

Clinical Genetics, Academic Medical Center
Classification: Benign. Review status: no assertion criteria provided. Collection method: clinical testing. Allele origin: germline. Affected: yes. Study: VKGL Data-share Consensus. Not counted in ClinVar's aggregate classification.

Diagnostic Laboratory, Department of Genetics, University Medical Center Groningen
Classification: Likely benign for 3-Methylglutaconic aciduria type 2. Review status: no assertion criteria provided. Collection method: clinical testing. Allele origin: germline. Affected: yes. Study: VKGL Data-share Consensus. Not counted in ClinVar's aggregate classification.

Diagnostic Laboratory, Department of Genetics, University Medical Center Groningen
Classification: Likely benign. Review status: no assertion criteria provided. Collection method: clinical testing. Allele origin: germline. Affected: yes. Study: VKGL Data-share Consensus. Not counted in ClinVar's aggregate classification.

Genome Diagnostics Laboratory, University Medical Center Utrecht
Classification: Likely benign. Review status: no assertion criteria provided. Collection method: clinical testing. Allele origin: germline. Affected: yes. Study: VKGL Data-share Consensus. Not counted in ClinVar's aggregate classification.

Joint Genome Diagnostic Labs from Nijmegen and Maastricht, Radboudumc and MUMC+
Classification: Likely benign. Review status: no assertion criteria provided. Collection method: clinical testing. Allele origin: germline. Affected: yes. Study: VKGL Data-share Consensus. Not counted in ClinVar's aggregate classification.